The following is an entry in ClinVar:

ClinVar aggregate classification (germline): Likely pathogenic (1 of 4 stars; one submission).

Conditions:
LMX1B-related disorder. Also called: LMX1B-related condition.

Submission:

PreventionGenetics, part of Exact Sciences
Classification: Likely pathogenic for LMX1B-related condition. Last evaluated: 2024-12-03. Review status: criteria provided, single submitter. Criteria: ACMG Guidelines, 2015. Collection method: clinical testing. Allele origin: germline.
Comment: The LMX1B c.806A>G variant is predicted to result in the amino acid substitution p.Asn269Ser. To our knowledge, this variant has not been reported in the literature or in a large population database (gnomAD), indicating this variant is rare. Different amino acid substitutions at this same position (p.Asn269Lys, p.Asn269His) have been reported in patients with nail-patella syndrome (Reported as N246K in Dreyer et al. 1998. PubMed ID: 9590287; Hou et al. 2021. PubMed ID: 34195159). This variant is interpreted as likely pathogenic.

NM_001174147.2(LMX1B):c.806A>G (p.Asn269Ser)

Gene: LMX1B (LIM homeobox transcription factor 1 beta; plus strand). Cytogenetic location: 9q33.3.
Variant type: single nucleotide variant.
Coding change: c.806A>G on transcript NM_001174147.2 (MANE Select); coding-DNA position 806, A replaced by G.
Protein change: p.Asn269Ser; replaces asparagine 269 with serine.
Molecular consequence: missense variant.
Genome position (GRCh38, 1-based): chr9:126,693,588, A>G. VCF-style: chr9-126693588-A-G. GRCh37 (hg19) VCF-style: chr9-129455867-A-G.
Other names: c.806A>G, p.Asn269Ser (NM_001174146.2, NM_002316.4); short protein forms N269S.
Identifiers: ClinVar variation 4997738 (VCV004997738.1).